The following is an entry in ClinVar:

ClinVar aggregate classification (germline): Uncertain significance (1 of 4 stars; one submission).

Allele frequency attached by ClinVar (database versions not stated): gnomAD exomes below 0.00001.
gnomAD v4.1: 1 of 1,613,976 alleles (0.000062%); highest among the groups gnomAD compares: Non-Finnish European, 0.000085%; no homozygotes.

Submission:

Labcorp Genetics (formerly Invitae), Labcorp
Classification: Uncertain significance. Last evaluated: 2022-03-29. Review status: criteria provided, single submitter. Criteria: Invitae Variant Classification Sherloc (09022015). Collection method: clinical testing. Allele origin: germline.
Comment: In summary, the available evidence is currently insufficient to determine the role of this variant in disease. Therefore, it has been classified as a Variant of Uncertain Significance. Algorithms developed to predict the effect of missense changes on protein structure and function are either unavailable or do not agree on the potential impact of this missense change (SIFT: "Tolerated"; PolyPhen-2: "Possibly Damaging"; Align-GVGD: "Class C0"). This variant has not been reported in the literature in individuals affected with HMCN1-related conditions. This variant is not present in population databases (gnomAD no frequency). This sequence change replaces methionine, which is neutral and non-polar, with leucine, which is neutral and non-polar, at codon 4971 of the HMCN1 protein (p.Met4971Leu).

NM_031935.3(HMCN1):c.14911A>C (p.Met4971Leu)

Gene: HMCN1 (hemicentin 1; plus strand). Cytogenetic location: 1q31.1.
Variant type: single nucleotide variant.
Coding change: c.14911A>C on transcript NM_031935.3 (MANE Select); coding-DNA position 14911, A replaced by C.
Protein change: p.Met4971Leu; replaces methionine 4971 with leucine.
Molecular consequence: missense variant.
Genome position (GRCh38, 1-based): chr1:186,152,764, A>C. VCF-style: chr1-186152764-A-C. GRCh37 (hg19) VCF-style: chr1-186121896-A-C.
Other names: short protein forms M4971L.
Identifiers: ClinVar variation 2115799 (VCV002115799.4), dbSNP rs2528156295, ClinGen allele CA343921660.